The following is an entry in ClinVar:

NM_000222.3(KIT):c.52C>G (p.Leu18Val)

Gene: KIT (KIT proto-oncogene, receptor tyrosine kinase; plus strand). Cytogenetic location: 4q12.
Variant type: single nucleotide variant.
Coding change: c.52C>G on transcript NM_000222.3 (MANE Select); coding-DNA position 52, C replaced by G.
Protein change: p.Leu18Val; replaces leucine 18 with valine.
Molecular consequence: missense variant.
Genome position (GRCh38, 1-based): chr4:54,658,066, C>G. VCF-style: chr4-54658066-C-G. GRCh37 (hg19) VCF-style: chr4-55524233-C-G.
Other names: c.52C>G, p.Leu18Val (NM_001093772.2, NM_001385284.1, NM_001385285.1 and 4 more transcripts); short protein forms L18V.
Identifiers: ClinVar variation 458954 (VCV000458954.9), dbSNP rs370787811, ClinGen allele CA2923119.

ClinVar aggregate classification (germline): Uncertain significance (1 of 4 stars; one submission).

Conditions:
Gastrointestinal stromal tumor. Also called: Gastrointestinal stroma tumor; Gastrointestinal stromal tumor, somatic. Identifiers: Orphanet 44890, MedGen C0238198, MeSH D046152, MONDO:0011719, OMIM 606764, HP:0100723.

gnomAD v4.1: 3 of 1,613,932 alleles (0.00019%); highest among the groups gnomAD compares: South Asian, 0.0033%; no homozygotes.

Submission:

Labcorp Genetics (formerly Invitae), Labcorp
Classification: Uncertain significance for Gastrointestinal stromal tumor. Last evaluated: 2023-07-19. Review status: criteria provided, single submitter. Criteria: Invitae Variant Classification Sherloc (09022015). Collection method: clinical testing. Allele origin: germline.
Comment: This variant has not been reported in the literature in individuals affected with KIT-related conditions. ClinVar contains an entry for this variant (Variation ID: 458954). An algorithm developed to predict the effect of missense changes on protein structure and function (PolyPhen-2) suggests that this variant is likely to be tolerated. In summary, the available evidence is currently insufficient to determine the role of this variant in disease. Therefore, it has been classified as a Variant of Uncertain Significance. This sequence change replaces leucine, which is neutral and non-polar, with valine, which is neutral and non-polar, at codon 18 of the KIT protein (p.Leu18Val). This variant is present in population databases (rs370787811, gnomAD 0.003%).